The following is an entry in ClinVar:

NC_012920.1(MT-ATP8):m.8403T>C

Gene: MT-ATP8 (mitochondrially encoded ATP synthase 8; plus strand).
Variant type: single nucleotide variant.
Genome position: chrM-8403-T-C.
Identifiers: ClinVar variation 692845 (VCV000692845.1), dbSNP rs1603221460, ClinGen allele CA414795954.

ClinVar aggregate classification (germline): Uncertain significance (1 of 4 stars; one submission).

Conditions:
Leigh syndrome (NULS). Also called: Leigh's necrotizing encephalopathy; Leigh's disease; Leigh Syndrome (mtDNA deletion); Leigh Disease; Subacute necrotizing encephalopathy; Necrotizing encephalopathy infantile subacute of Leigh. Identifiers: Orphanet 506, MedGen C2931891, MONDO:0009723, OMIM 256000.

Submission:

Wong Mito Lab, Molecular and Human Genetics, Baylor College of Medicine
Classification: Uncertain significance for Leigh syndrome. Last evaluated: 2019-10-17. Review status: criteria provided, single submitter. Criteria: Modified ACMG Guidelines (Unpublished). Collection method: clinical testing. Allele origin: germline.
Comment: The NC_012920.1:m.8403T>C (YP_003024030.1:p.Ile13Thr) variant in MTATP8 gene is interpretated to be a Uncertain Significance variant based on the modified ACMG guidelines (unpublished). This variant meets the following evidence codes: PM9, PP6, PP7

Literature cited by the submitters: PubMed 24153443.